The following is an entry in ClinVar:

NM_001082971.2(DDC):c.1061G>C (p.Gly354Ala)

Gene: DDC (dopa decarboxylase; minus strand). Cytogenetic location: 7p12.2.
Variant type: single nucleotide variant.
Coding change: c.1061G>C on transcript NM_001082971.2 (MANE Select); coding-DNA position 1061, G replaced by C.
Protein change: p.Gly354Ala; replaces glycine 354 with alanine.
Molecular consequence: missense variant.
Genome position (GRCh38, 1-based): chr7:50,470,152, C>G on the plus strand (G>C on the coding strand, the complement: DDC is on the minus strand). VCF-style: chr7-50470152-C-G. GRCh37 (hg19) VCF-style: chr7-50537850-C-G.
Other names: c.1061G>C, p.Gly354Ala (NM_000790.4); c.947G>C, p.Gly316Ala (NM_001242886.2); c.917G>C, p.Gly306Ala (NM_001242887.2); c.827G>C, p.Gly276Ala (NM_001242888.2); c.782G>C, p.Gly261Ala (NM_001242889.2); short protein forms G306A, G354A, G276A, G316A, G261A.
Identifiers: ClinVar variation 1043429 (VCV001043429.9), dbSNP rs774532449, ClinGen allele CA367533643.

ClinVar aggregate classification (germline): Uncertain significance (1 of 4 stars; one submission).

Conditions:
Deficiency of aromatic-L-amino-acid decarboxylase. Also called: AADC DEFICIENCY; Aromatic L-Amino Acid Decarboxylase Deficiency; Aromatic amino acid decarboxylase deficiency; DDC DEFICIENCY; DOPA DECARBOXYLASE DEFICIENCY. Identifiers: Orphanet 35708, MedGen C1291564, MONDO:0012084, OMIM 608643.

Submission:

Labcorp Genetics (formerly Invitae), Labcorp
Classification: Uncertain significance for Deficiency of aromatic-L-amino-acid decarboxylase. Last evaluated: 2020-09-11. Review status: criteria provided, single submitter. Criteria: Invitae Variant Classification Sherloc (09022015). Collection method: clinical testing. Allele origin: germline.
Comment: This sequence change replaces glycine with alanine at codon 354 of the DDC protein (p.Gly354Ala). The glycine residue is highly conserved and there is a small physicochemical difference between glycine and alanine. This variant is not present in population databases (ExAC no frequency). In summary, the available evidence is currently insufficient to determine the role of this variant in disease. Therefore, it has been classified as a Variant of Uncertain Significance. Algorithms developed to predict the effect of missense changes on protein structure and function (SIFT, PolyPhen-2, Align-GVGD) all suggest that this variant is likely to be disruptive, but these predictions have not been confirmed by published functional studies and their clinical significance is uncertain. This variant has not been reported in the literature in individuals with DDC-related conditions.